The following is an entry in ClinVar:

NM_021930.6(RINT1):c.679A>G (p.Lys227Glu)

Gene: RINT1 (RAD50 interactor 1; plus strand). Cytogenetic location: 7q22.3.
Variant type: single nucleotide variant.
Coding change: c.679A>G on transcript NM_021930.6 (MANE Select); coding-DNA position 679, A replaced by G.
Protein change: p.Lys227Glu; replaces lysine 227 with glutamic acid.
Molecular consequence: missense variant. On other transcripts: 5 prime UTR variant (2), non-coding transcript variant (1), intron variant (1).
Genome position (GRCh38, 1-based): chr7:105,547,073, A>G. VCF-style: chr7-105547073-A-G. GRCh37 (hg19) VCF-style: chr7-105187520-A-G.
Other names: c.445A>G, p.Lys149Glu (NM_001346599.2); c.-341A>G (NM_001346600.2); c.-244A>G (NM_001346601.2); c.-27-2982A>G (NM_001346603.2); short protein forms K149E, K227E.
Identifiers: ClinVar variation 4874699 (VCV004874699.2).

ClinVar aggregate classification (germline): Uncertain significance (1 of 4 stars; one submission).

Submission:

CeGaT Center for Human Genetics Tuebingen
Classification: Uncertain significance. Last evaluated: 2026-04-01. Review status: criteria provided, single submitter. Criteria: CeGaT Center For Human Genetics Tuebingen Variant Classification Criteria Version 2. Collection method: clinical testing. Allele origin: germline. Affected: yes. Observed: 1 variant allele.
Comment: RINT1: PM2